The following is an entry in ClinVar:

NM_001148.6(ANK2):c.6182C>T (p.Thr2061Ile)

Genes: ANK2 (ankyrin 2; plus strand), LOC126807136 (MED14-independent group 3 enhancer GRCh37_chr4:114274931-114276130; plus strand). Cytogenetic location: 4q26.
Variant type: single nucleotide variant.
Coding change: c.6182C>T on transcript NM_001148.6 (MANE Select); coding-DNA position 6182, C replaced by T.
Protein change: p.Thr2061Ile; replaces threonine 2061 with isoleucine.
Molecular consequence: missense variant. On other transcripts: intron variant (68).
Genome position (GRCh38, 1-based): chr4:113,354,800, C>T. VCF-style: chr4-113354800-C-T. GRCh37 (hg19) VCF-style: chr4-114275956-C-T.
Other names: c.4375+4551C>T (NM_001354254.2); c.4396+4551C>T (NM_001354239.2, NM_001354252.2); c.4297+4551C>T (NM_001354272.2); c.4360+4551C>T (NM_001354244.2, NM_001354256.2, NM_001386161.1); c.4399+4551C>T (NM_001127493.3); c.4363+4551C>T (NM_001386143.1, NM_001354243.2, NM_001354255.2); c.4264+4551C>T (NM_001354262.2, NM_001354275.2, NM_001354245.2); c.4201+4551C>T (NM_001354253.2, NM_001354270.2); and 35 more; short protein forms T1983I, T2061I, T2100I, T861I, T2108I.
Identifiers: ClinVar variation 2981135 (VCV002981135.3), dbSNP rs2505520274, ClinGen allele CA357922529.

ClinVar aggregate classification (germline): Uncertain significance (1 of 4 stars; one submission).

Conditions:
Long QT syndrome (LQTS). Identifiers: MedGen C0023976, MeSH D008133, MONDO:0002442. Disease mechanism: loss of function. Inheritance: Various modes of inheritance.

Submission:

Labcorp Genetics (formerly Invitae), Labcorp
Classification: Uncertain significance for Long QT syndrome. Last evaluated: 2023-02-14. Review status: criteria provided, single submitter. Criteria: Invitae Variant Classification Sherloc (09022015). Collection method: clinical testing. Allele origin: germline.
Comment: This sequence change replaces threonine, which is neutral and polar, with isoleucine, which is neutral and non-polar, at codon 2061 of the ANK2 protein (p.Thr2061Ile). This variant is not present in population databases (gnomAD no frequency). This missense change has been observed in individual(s) with autism spectrum disorder (PMID: 30564305). Algorithms developed to predict the effect of missense changes on protein structure and function (SIFT, PolyPhen-2, Align-GVGD) all suggest that this variant is likely to be tolerated. In summary, the available evidence is currently insufficient to determine the role of this variant in disease. Therefore, it has been classified as a Variant of Uncertain Significance.

Literature cited by the submitters: PubMed 30564305.